The following is an entry in ClinVar:

NM_006796.3(AFG3L2):c.1997T>G (p.Met666Arg)

Gene: AFG3L2 (AFG3 like matrix AAA peptidase subunit 2; minus strand). Cytogenetic location: 18p11.21.
Variant type: single nucleotide variant.
Coding change: c.1997T>G on transcript NM_006796.3 (MANE Select); coding-DNA position 1997, T replaced by G.
Protein change: p.Met666Arg; replaces methionine 666 with arginine.
Molecular consequence: missense variant.
Genome position (GRCh38, 1-based): chr18:12,337,519, A>C on the plus strand (T>G on the coding strand, the complement: AFG3L2 is on the minus strand). VCF-style: chr18-12337519-A-C. GRCh37 (hg19) VCF-style: chr18-12337518-A-C.
Other names: short protein forms M666R.
Identifiers: ClinVar variation 30424 (VCV000030424.5), dbSNP rs151344515, ClinGen allele CA342733.
Genomic context (GRCh38, chr18:12,337,519, plus strand): 5'-TCCAATACCATGTCCCCCTGACGTGGGAGGTCAAAGGAGATTTGCCCAACCTTTTCATTC[A>C]TGCCAAACTGAACAATCTGAAAAATACATAATTAGTGGTGATTACATATGATTGTTCTTT-3'
Protein context (NP_006787.2, residues 656-676): SAYAQIVQFG[Met666Arg]NEKVGQISFD

ClinVar aggregate classification (germline): Pathogenic. Review status: criteria provided, single submitter (1 of 4 stars). 3 submissions from 3 submitters: Pathogenic (1). 2 of the submissions do not count toward it. Last evaluated 2025-02-21.

Conditions:
Spinocerebellar ataxia type 28 (SCA28). Also called: Spinocerebellar Ataxia Type 28 (SCA28). Identifiers: Orphanet 101109, MedGen C1853249, MONDO:0012450, OMIM 610246.

Submissions (3):

Athena Diagnostics
Classification: Pathogenic. Last evaluated: 2025-02-21. Review status: criteria provided, single submitter. Criteria: Athena Diagnostics Criteria. Collection method: clinical testing. Allele origin: unknown.
Comment: This variant has not been reported in large, multi-ethnic general populations. This variant has been identified in at least one individual with autosomal dominant cerebellar ataxia. Assessment of experimental evidence suggests this variant results in abnormal protein function. (PMID: 30389403) The variant is located in a region that is considered important for protein function and/or structure. At least one other missense variant at this codon is considered to be pathogenic or likely pathogenic, suggesting this variant may also cause disease.

OMIM
Classification: Pathogenic for SPINOCEREBELLAR ATAXIA 28. Last evaluated: 2010-10-01. Review status: no assertion criteria provided. Collection method: literature only. Allele origin: germline. Not counted in ClinVar's aggregate classification.

GeneReviews
No classification provided. Condition: Spinocerebellar ataxia type 28. Review status: no classification provided. Collection method: literature only. Allele origin: germline. Not counted in ClinVar's aggregate classification.

Literature cited by the submitters: PubMed 20725928 (cited by Athena Diagnostics and OMIM); PubMed 30389403 (cited by Athena Diagnostics); NCBI Bookshelf NBK54582 (cited by GeneReviews).